The following is an entry in ClinVar:

ClinVar aggregate classification (germline): Uncertain significance. Review status: criteria provided, multiple submitters, no conflicts (2 of 4 stars). 2 submissions from 2 submitters: Uncertain significance (2). Last evaluated 2025-10-25.

Conditions:
Hereditary cancer-predisposing syndrome. Also called: Tumor predisposition; Hereditary neoplastic syndrome; Hereditary Cancer Syndrome; Neoplastic Syndromes, Hereditary. Identifiers: Orphanet 140162, MedGen C0027672, MeSH D009386, MONDO:0015356.
Familial adenomatous polyposis 1 (FAP1). Also called: FAMILIAL ADENOMATOUS POLYPOSIS 1, ATTENUATED; POLYPOSIS, ADENOMATOUS INTESTINAL. Identifiers: MedGen C2713442, MONDO:0021056, OMIM 175100. Disease mechanism: loss of function.

Submissions (2):

Ambry Genetics
Classification: Uncertain significance for Hereditary cancer-predisposing syndrome. Last evaluated: 2025-10-25. Review status: criteria provided, single submitter. Criteria: Ambry Variant Classification Scheme 2023. Collection method: clinical testing. Allele origin: germline.
Comment: The p.P2680L variant (also known as c.8039C>T), located in coding exon 15 of the APC gene, results from a C to T substitution at nucleotide position 8039. The proline at codon 2680 is replaced by leucine, an amino acid with similar properties. This amino acid position is conserved. In addition, in silico predictors for this gene do not accurately predict pathogenicity. Based on the available evidence, the clinical significance of this variant remains unclear.

Labcorp Genetics (formerly Invitae), Labcorp
Classification: Uncertain significance for Familial adenomatous polyposis 1. Last evaluated: 2024-05-29. Review status: criteria provided, single submitter. Criteria: Invitae Variant Classification Sherloc (09022015). Collection method: clinical testing. Allele origin: germline.
Comment: This sequence change replaces proline, which is neutral and non-polar, with leucine, which is neutral and non-polar, at codon 2680 of the APC protein (p.Pro2680Leu). This variant is not present in population databases (gnomAD no frequency). This variant has not been reported in the literature in individuals affected with APC-related conditions. ClinVar contains an entry for this variant (Variation ID: 1462313). Advanced modeling of protein sequence and biophysical properties (such as structural, functional, and spatial information, amino acid conservation, physicochemical variation, residue mobility, and thermodynamic stability) performed at Invitae indicates that this missense variant is not expected to disrupt APC protein function with a negative predictive value of 95%. In summary, the available evidence is currently insufficient to determine the role of this variant in disease. Therefore, it has been classified as a Variant of Uncertain Significance.

NM_000038.6(APC):c.8039C>T (p.Pro2680Leu)

Gene: APC (APC regulator of Wnt signaling pathway; plus strand). Cytogenetic location: 5q22.2.
Variant type: single nucleotide variant.
Coding change: c.8039C>T on transcript NM_000038.6 (MANE Select); coding-DNA position 8039, C replaced by T.
Protein change: p.Pro2680Leu; replaces proline 2680 with leucine.
Molecular consequence: missense variant.
Genome position (GRCh38, 1-based): chr5:112,843,633, C>T. VCF-style: chr5-112843633-C-T. GRCh37 (hg19) VCF-style: chr5-112179330-C-T.
Other names: c.8039C>T (NM_000038.5); c.8039C>T, p.Pro2680Leu (NM_001127510.3, NM_001354895.2); c.7985C>T, p.Pro2662Leu (NM_001127511.3); c.8093C>T, p.Pro2698Leu (NM_001354896.2); c.8069C>T, p.Pro2690Leu (NM_001354897.2); c.7964C>T, p.Pro2655Leu (NM_001354898.2); c.7955C>T, p.Pro2652Leu (NM_001354899.2); c.7916C>T, p.Pro2639Leu (NM_001354900.2); and 6 more; short protein forms P2621L, P2655L, P2662L, P2520L, P2554L, P2397L, P2639L, P2652L.
Identifiers: ClinVar variation 1462313 (VCV001462313.9), dbSNP rs2149998266, ClinGen allele CA16038788.